The following is an entry in ClinVar:

NM_001040108.2(MLH3):c.905T>C (p.Leu302Pro)

Gene: MLH3 (mutL homolog 3; minus strand). Cytogenetic location: 14q24.3.
Variant type: single nucleotide variant.
Coding change: c.905T>C on transcript NM_001040108.2 (MANE Select); coding-DNA position 905, T replaced by C.
Protein change: p.Leu302Pro; replaces leucine 302 with proline.
Molecular consequence: missense variant.
Genome position (GRCh38, 1-based): chr14:75,048,751, A>G on the plus strand (T>C on the coding strand, the complement: MLH3 is on the minus strand). VCF-style: chr14-75048751-A-G. GRCh37 (hg19) VCF-style: chr14-75515454-A-G.
Other names: c.905T>C, p.Leu302Pro (NM_014381.3); short protein forms L302P.
Identifiers: ClinVar variation 4860209 (VCV004860209.1).

ClinVar aggregate classification (germline): Uncertain significance (1 of 4 stars; one submission).

Submission:

Ambry Genetics
Classification: Uncertain significance. Last evaluated: 2026-05-16. Review status: criteria provided, single submitter. Criteria: Ambry Variant Classification Scheme 2023. Collection method: clinical testing. Allele origin: germline.
Comment: The p.L302P variant (also known as c.905T>C), located in coding exon 1 of the MLH3 gene, results from a T to C substitution at nucleotide position 905. The leucine at codon 302 is replaced by proline, an amino acid with similar properties. This amino acid position is conserved. In addition, the in silico prediction for this alteration is inconclusive. Based on the available evidence, the clinical significance of this variant remains unclear.